The following is an entry in ClinVar:

NM_012463.4(ATP6V0A2):c.2547C>A (p.Phe849Leu)

Gene: ATP6V0A2 (ATPase H+ transporting V0 subunit a2; plus strand). Cytogenetic location: 12q24.31.
Variant type: single nucleotide variant.
Coding change: c.2547C>A on transcript NM_012463.4 (MANE Select); coding-DNA position 2547, C replaced by A.
Protein change: p.Phe849Leu; replaces phenylalanine 849 with leucine.
Molecular consequence: missense variant.
Genome position (GRCh38, 1-based): chr12:123,758,008, C>A. VCF-style: chr12-123758008-C-A. GRCh37 (hg19) VCF-style: chr12-124242555-C-A.
Other names: short protein forms F849L.
Identifiers: ClinVar variation 883191 (VCV000883191.7), dbSNP rs775425809, ClinGen allele CA6862289.

ClinVar aggregate classification (germline): Uncertain significance. Review status: criteria provided, multiple submitters, no conflicts (2 of 4 stars). 3 submissions from 3 submitters: Uncertain significance (3). Last evaluated 2024-08-15.

Conditions:
Inborn genetic diseases. Identifiers: MedGen C0950123, MeSH D030342.
Cutis laxa with osteodystrophy (ARCL2A). Also called: CUTIS LAXA WITH CONGENITAL DISORDER OF GLYCOSYLATION; Autosomal recessive cutis laxa type 2A; CUTIS LAXA, AUTOSOMAL RECESSIVE, TYPE IIA; Debré-Type Cutis Laxa; CUTIS LAXA WITH BONE DYSTROPHY; CUTIS LAXA WITH GROWTH AND DEVELOPMENTAL DELAY. Identifiers: Orphanet 357058, MedGen C0268355, MONDO:0018163, OMIM 219200. Disease mechanism: loss of function.

Allele frequency attached by ClinVar (database versions not stated): gnomAD exomes 0.00001 and 0.00002; ExAC 0.00002; TOPMed below 0.00001.
gnomAD v4.1: 34 of 1,611,520 alleles (0.0021%); highest among the groups gnomAD compares: Non-Finnish European, 0.0027%; no homozygotes.

Submissions (3):

GeneDx
Classification: Uncertain significance. Last evaluated: 2024-08-15. Review status: criteria provided, single submitter. Criteria: GeneDx Variant Classification Process June 2021. Collection method: clinical testing. Allele origin: germline. Affected: yes.
Comment: Not observed at significant frequency in large population cohorts (gnomAD); In silico analysis indicates that this missense variant does not alter protein structure/function; Has not been previously published as pathogenic or benign to our knowledge

Ambry Genetics
Classification: Uncertain significance for Inborn genetic diseases. Last evaluated: 2022-12-02. Review status: criteria provided, single submitter. Criteria: Ambry Variant Classification Scheme 2023. Collection method: clinical testing. Allele origin: germline.

Illumina Laboratory Services, Illumina
Classification: Uncertain significance for Cutis laxa with osteodystrophy. Last evaluated: 2018-01-12. Review status: criteria provided, single submitter. Criteria: ICSL Variant Classification Criteria 13 December 2019. Collection method: clinical testing. Allele origin: germline.